The following is an entry in ClinVar:

ClinVar aggregate classification (germline): Uncertain significance (1 of 4 stars; one submission).

Submission:

Labcorp Genetics (formerly Invitae), Labcorp
Classification: Uncertain significance. Last evaluated: 2022-06-04. Review status: criteria provided, single submitter. Criteria: Invitae Variant Classification Sherloc (09022015). Collection method: clinical testing. Allele origin: germline.
Comment: This sequence change replaces methionine, which is neutral and non-polar, with isoleucine, which is neutral and non-polar, at codon 2752 of the ASPM protein (p.Met2752Ile). This variant is not present in population databases (gnomAD no frequency). This variant has not been reported in the literature in individuals affected with ASPM-related conditions. Algorithms developed to predict the effect of missense changes on protein structure and function (SIFT, PolyPhen-2, Align-GVGD) all suggest that this variant is likely to be tolerated. In summary, the available evidence is currently insufficient to determine the role of this variant in disease. Therefore, it has been classified as a Variant of Uncertain Significance.

NM_018136.5(ASPM):c.8256G>A (p.Met2752Ile)

Gene: ASPM (assembly factor for spindle microtubules; minus strand). Cytogenetic location: 1q31.3.
Variant type: single nucleotide variant.
Coding change: c.8256G>A on transcript NM_018136.5 (MANE Select); coding-DNA position 8256, G replaced by A.
Protein change: p.Met2752Ile; replaces methionine 2752 with isoleucine.
Molecular consequence: missense variant. On other transcripts: intron variant (1).
Genome position (GRCh38, 1-based): chr1:197,100,995, C>T on the plus strand (G>A on the coding strand, the complement: ASPM is on the minus strand). VCF-style: chr1-197100995-C-T. GRCh37 (hg19) VCF-style: chr1-197070125-C-T.
Other names: c.4066-4831G>A (NM_001206846.2); short protein forms M2752I.
Identifiers: ClinVar variation 2047895 (VCV002047895.4), dbSNP rs2527289321, ClinGen allele CA344013774.